The following is an entry in ClinVar:

ClinVar aggregate classification (germline): Uncertain significance (1 of 4 stars; one submission).

Conditions:
Congenital muscular dystrophy due to integrin alpha-7 deficiency. Also called: MYOPATHY, CONGENITAL, DUE TO INTEGRIN ALPHA-7 DEFICIENCY; Congenital muscular dystrophy with integrin alpha-7 deficiency; Muscular dystrophy, congenital, due to ITGA7 deficiency. Identifiers: Orphanet 34520, MedGen C2750786, MONDO:0013177, OMIM 613204.

Allele frequency attached by ClinVar (database versions not stated): gnomAD exomes 0.00001; gnomAD 0.00005 and 0.00006; TOPMed 0.00005.
gnomAD v4.1: 17 of 1,614,064 alleles (0.0011%); highest among the groups gnomAD compares: African/African-American, 0.017%; no homozygotes.

Submission:

Labcorp Genetics (formerly Invitae), Labcorp
Classification: Uncertain significance for Congenital muscular dystrophy due to integrin alpha-7 deficiency. Last evaluated: 2022-07-26. Review status: criteria provided, single submitter. Criteria: Invitae Variant Classification Sherloc (09022015). Collection method: clinical testing. Allele origin: germline.
Comment: This sequence change replaces leucine, which is neutral and non-polar, with valine, which is neutral and non-polar, at codon 468 of the ITGA7 protein (p.Leu468Val). This variant is present in population databases (no rsID available, gnomAD 0.03%). This variant has not been reported in the literature in individuals affected with ITGA7-related conditions. ClinVar contains an entry for this variant (Variation ID: 659002). Algorithms developed to predict the effect of missense changes on protein structure and function are either unavailable or do not agree on the potential impact of this missense change (SIFT: "Deleterious"; PolyPhen-2: "Possibly Damaging"; Align-GVGD: "Class C0"). In summary, the available evidence is currently insufficient to determine the role of this variant in disease. Therefore, it has been classified as a Variant of Uncertain Significance.

NM_002206.3(ITGA7):c.1402C>G (p.Leu468Val)

Gene: ITGA7 (integrin subunit alpha 7; minus strand). Cytogenetic location: 12q13.2.
Variant type: single nucleotide variant.
Coding change: c.1402C>G on transcript NM_002206.3 (MANE Select); coding-DNA position 1402, C replaced by G.
Protein change: p.Leu468Val; replaces leucine 468 with valine.
Molecular consequence: missense variant.
Genome position (GRCh38, 1-based): chr12:55,697,702, G>C on the plus strand (C>G on the coding strand, the complement: ITGA7 is on the minus strand). VCF-style: chr12-55697702-G-C. GRCh37 (hg19) VCF-style: chr12-56091486-G-C.
Other names: c.1414C>G, p.Leu472Val (NM_001144996.2, NM_001414029.1); c.1123C>G, p.Leu375Val (NM_001144997.2); c.1075C>G, p.Leu359Val (NM_001367993.1); c.58C>G, p.Leu20Val (NM_001367994.1); c.1402C>G, p.Leu468Val (NM_001374465.1, NM_001414034.1); c.1534C>G, p.Leu512Val (NM_001410977.1); c.1327C>G, p.Leu443Val (NM_001414030.1); c.1315C>G, p.Leu439Val (NM_001414031.1); and 3 more; short protein forms L472V, L359V, L375V, L20V, L468V, L512V, L428V, L439V.
Identifiers: ClinVar variation 659002 (VCV000659002.6), dbSNP rs959396943, ClinGen allele CA237574280.